The following is an entry in ClinVar:

ClinVar aggregate classification (germline): Likely pathogenic (1 of 4 stars; one submission).

Conditions:
Glycogen storage disease type III (GSD3). Also called: Cori disease; FORBES DISEASE. Identifiers: Orphanet 366, MedGen C0017922, MONDO:0009291, OMIM 232400.

Submission:

Natera, Inc.
Classification: Likely pathogenic for Glycogen storage disease type III. Last evaluated: 2025-05-26. Review status: criteria provided, single submitter. Criteria: Natera Variant Classification Schema (03/2026). Collection method: clinical testing. Allele origin: germline.
Comment: The c.2711_2717dup variant in AGL is a frameshift variant predicted to shift the reading frame beginning at codon 906 and leads to a stop codon 9 codons downstream. This variant is expected to result in nonsense mediated decay, truncation, or a dysfunctional protein product. This variant is rare in the general population with a frequency below the threshold expected for the associated phenotype(s). Given the available evidence, this variant is classified as Likely Pathogenic.

NM_000642.3(AGL):c.2711_2717dup (p.Gln906fs)

Gene: AGL (amylo-alpha-1,6-glucosidase and 4-alpha-glucanotransferase; plus strand). Cytogenetic location: 1p21.2.
Variant type: Duplication.
Coding change: c.2711_2717dup on transcript NM_000642.3 (MANE Select); coding-DNA positions 2711 to 2717, 7 bases duplicated (TAAATCA; older notation c.2711_2717dupTAAATCA).
Protein change: p.Gln906fs; shifts the reading frame from glutamine 906.
Molecular consequence: frameshift variant.
Genome position (GRCh38, 1-based): chr1:99,888,007-99,888,013, TAAATCA duplicated. VCF-style (leftmost placement, unchanged base first): chr1-99888006-C-CTAAATCA. GRCh37 (hg19) VCF-style: chr1-100353562-C-CTAAATCA.
Other names: c.2711_2717dup, p.Gln906fs (NM_000028.3, NM_000643.3, NM_000644.3 and 2 more transcripts); c.2663_2669dup, p.Gln890fs (NM_000646.3); c.2510_2516dup, p.Gln839fs (NM_001425327.1); c.2507_2513dup, p.Gln838fs (NM_001425328.1); c.2372_2378dup, p.Gln793fs (NM_001425329.1); c.2333_2339dup, p.Gln780fs (NM_001425332.1); short protein forms Q780fs, Q793fs, Q838fs, Q839fs, Q890fs, Q906fs.
Identifiers: ClinVar variation 4067652 (VCV004067652.2).
Genomic context (GRCh38, chr1:99,888,006, plus strand): 5'-ATATATGGTTATCTTTATTTTCCAATTCTTAGTCTTGCCTCCAGATTAACTTTGGCTGAG[C>CTAAATCA]TAAATCAGATCCTTTACCGATGTGAATCAGAAGAAAAGGAAGATGGTGGAGGGTGCTATG-3'